The following is an entry in ClinVar:

NM_025114.4(CEP290):c.7197G>A (p.Lys2399=)

Gene: CEP290 (centrosomal protein 290; minus strand). Cytogenetic location: 12q21.32.
Variant type: single nucleotide variant.
Coding change: c.7197G>A on transcript NM_025114.4 (MANE Select); coding-DNA position 7197, G replaced by A.
Protein change: p.Lys2399=; no amino-acid change (lysine 2399 retained).
Molecular consequence: synonymous variant.
Genome position (GRCh38, 1-based): chr12:88,050,366, C>T on the plus strand (G>A on the coding strand, the complement: CEP290 is on the minus strand). VCF-style: chr12-88050366-C-T. GRCh37 (hg19) VCF-style: chr12-88444143-C-T.
Other names: c.7197G>A (NM_025114.3).
Identifiers: ClinVar variation 498499 (VCV000498499.16), dbSNP rs779550219, ClinGen allele CA6711330.

ClinVar aggregate classification (germline): Conflicting classifications of pathogenicity. Review status: criteria provided, conflicting classifications (1 of 4 stars). 4 submissions from 4 submitters: Uncertain significance (1); Likely benign (3). Last evaluated 2025-03-26.

Conditions:
CEP290-related disorder. Also called: CEP290-related condition; CEP290-related disorders. Identifiers: MedGen CN239314.
Meckel-Gruber syndrome. Also called: DYSENCEPHALIA SPLANCHNOCYSTICA; GRUBER SYNDROME; Dysencephalia splachnocystica. Identifiers: Orphanet 564, MedGen C0265215, MONDO:0018921.
Joubert syndrome. Also called: JOUBERT-BOLTSHAUSER SYNDROME; Familial aplasia of the vermis. Identifiers: Orphanet 475, MedGen C5979921, MONDO:0018772.
Nephronophthisis. Also called: Juvenile Nephronophthisis. Identifiers: Orphanet 655, MedGen C0687120, MONDO:0019005, HP:0000090.

Allele frequency attached by ClinVar (database versions not stated): ExAC 0.00001; gnomAD 0.00001; gnomAD exomes 0.00001; TOPMed 0.00003.
gnomAD v4.1: 20 of 1,517,446 alleles (0.0013%); highest among the groups gnomAD compares: Non-Finnish European, 0.0017%; no homozygotes.

Submissions (4):

Labcorp Genetics (formerly Invitae), Labcorp
Classification: Likely benign for Joubert syndrome; Meckel-Gruber syndrome; Nephronophthisis. Last evaluated: 2025-03-26. Review status: criteria provided, single submitter. Criteria: Invitae Variant Classification Sherloc (09022015). Collection method: clinical testing. Allele origin: germline.

PreventionGenetics, part of Exact Sciences
Classification: Likely benign for CEP290-related condition. Last evaluated: 2024-12-17. Review status: criteria provided, single submitter. Criteria: ACMG Guidelines, 2015. Collection method: clinical testing. Allele origin: germline.
Comment: This variant is classified as likely benign based on ACMG/AMP sequence variant interpretation guidelines (Richards et al. 2015 PMID: 25741868, with internal and published modifications).

Blueprint Genetics
Classification: Likely benign. Last evaluated: 2024-06-10. Review status: criteria provided, single submitter. Criteria: ACMG Guidelines, 2015. Collection method: clinical testing. Allele origin: germline.

Eurofins Ntd Llc (ga)
Classification: Uncertain significance. Last evaluated: 2016-12-13. Review status: criteria provided, single submitter. Criteria: EGL Classification Definitions 2015. Collection method: clinical testing. Allele origin: germline. Observed: 1 variant allele, 1 heterozygote.